The following is an entry in ClinVar:

ClinVar aggregate classification (germline): Uncertain significance (1 of 4 stars; one submission).

Allele frequency attached by ClinVar (database versions not stated): gnomAD exomes below 0.00001; gnomAD 0.00001; ExAC 0.00002.

Submission:

Labcorp Genetics (formerly Invitae), Labcorp
Classification: Uncertain significance. Last evaluated: 2024-05-05. Review status: criteria provided, single submitter. Criteria: Invitae Variant Classification Sherloc (09022015). Collection method: clinical testing. Allele origin: germline.
Comment: This sequence change replaces tyrosine, which is neutral and polar, with cysteine, which is neutral and slightly polar, at codon 148 of the PNPT1 protein (p.Tyr148Cys). This variant is present in population databases (rs202197669, gnomAD 0.006%). This variant has not been reported in the literature in individuals affected with PNPT1-related conditions. ClinVar contains an entry for this variant (Variation ID: 1917330). Advanced modeling of protein sequence and biophysical properties (such as structural, functional, and spatial information, amino acid conservation, physicochemical variation, residue mobility, and thermodynamic stability) performed at Invitae indicates that this missense variant is not expected to disrupt PNPT1 protein function with a negative predictive value of 80%. In summary, the available evidence is currently insufficient to determine the role of this variant in disease. Therefore, it has been classified as a Variant of Uncertain Significance.

NM_033109.5(PNPT1):c.443A>G (p.Tyr148Cys)

Gene: PNPT1 (polyribonucleotide nucleotidyltransferase 1; minus strand). Cytogenetic location: 2p16.1.
Variant type: single nucleotide variant.
Coding change: c.443A>G on transcript NM_033109.5 (MANE Select); coding-DNA position 443, A replaced by G.
Protein change: p.Tyr148Cys; replaces tyrosine 148 with cysteine.
Molecular consequence: missense variant.
Genome position (GRCh38, 1-based): chr2:55,683,795, T>C on the plus strand (A>G on the coding strand, the complement: PNPT1 is on the minus strand). VCF-style: chr2-55683795-T-C. GRCh37 (hg19) VCF-style: chr2-55910930-T-C.
Other names: short protein forms Y148C.
Identifiers: ClinVar variation 1917330 (VCV001917330.4), dbSNP rs202197669, ClinGen allele CA1668478.
Genomic context (GRCh38, chr2:55,683,795, plus strand): 5'-AAGTAATTTTTGATTGATCTGGCAACTAAAAAACCTAAAGCAGAATCTACCTGTGTATCA[T>C]AGAAGTAGCCAGCTGGAAAGAGCGGTCTAATTGAACGATCTGCCAAAAGAAAAAAAAACA-3'
Protein context (NP_149100.2, residues 138-158): IRPLFPAGYF[Tyr148Cys]DTQVLCNLLA